The following is an entry in ClinVar:

ClinVar aggregate classification (germline): Uncertain significance (1 of 4 stars; one submission).

Submission:

Labcorp Genetics (formerly Invitae), Labcorp
Classification: Uncertain significance. Last evaluated: 2024-02-02. Review status: criteria provided, single submitter. Criteria: Invitae Variant Classification Sherloc (09022015). Collection method: clinical testing. Allele origin: germline.
Comment: This sequence change replaces glutamic acid, which is acidic and polar, with aspartic acid, which is acidic and polar, at codon 1599 of the POLE protein (p.Glu1599Asp). This variant is not present in population databases (gnomAD no frequency). This variant has not been reported in the literature in individuals affected with POLE-related conditions. Advanced modeling of protein sequence and biophysical properties (such as structural, functional, and spatial information, amino acid conservation, physicochemical variation, residue mobility, and thermodynamic stability) performed at Invitae indicates that this missense variant is not expected to disrupt POLE protein function with a negative predictive value of 80%. In summary, the available evidence is currently insufficient to determine the role of this variant in disease. Therefore, it has been classified as a Variant of Uncertain Significance.

NM_006231.4(POLE):c.4797A>C (p.Glu1599Asp)

Gene: POLE (DNA polymerase epsilon, catalytic subunit; minus strand). Cytogenetic location: 12q24.33.
Variant type: single nucleotide variant.
Coding change: c.4797A>C on transcript NM_006231.4 (MANE Select); coding-DNA position 4797, A replaced by C.
Protein change: p.Glu1599Asp; replaces glutamic acid 1599 with aspartic acid.
Molecular consequence: missense variant.
Genome position (GRCh38, 1-based): chr12:132,642,661, T>G on the plus strand (A>C on the coding strand, the complement: POLE is on the minus strand). VCF-style: chr12-132642661-T-G. GRCh37 (hg19) VCF-style: chr12-133219247-T-G.
Other names: short protein forms E1599D.
Identifiers: ClinVar variation 3672861 (VCV003672861.2).